The following is an entry in ClinVar:

NM_138615.3(DHX30):c.509C>G (p.Pro170Arg)

Gene: DHX30 (DExH-box helicase 30; plus strand). Cytogenetic location: 3p21.31.
Variant type: single nucleotide variant.
Coding change: c.509C>G on transcript NM_138615.3 (MANE Select); coding-DNA position 509, C replaced by G.
Protein change: p.Pro170Arg; replaces proline 170 with arginine.
Molecular consequence: missense variant.
Genome position (GRCh38, 1-based): chr3:47,841,019, C>G. VCF-style: chr3-47841019-C-G. GRCh37 (hg19) VCF-style: chr3-47882509-C-G.
Other names: c.425C>G, p.Pro142Arg (NM_001330990.2); c.392C>G, p.Pro131Arg (NM_014966.4); c.509C>G (NM_138615.2); short protein forms P131R, P142R, P170R.
Identifiers: ClinVar variation 2440778 (VCV002440778.7), dbSNP rs61757585, ClinGen allele CA2369721.

ClinVar aggregate classification (germline): Conflicting classifications of pathogenicity. Review status: criteria provided, conflicting classifications (1 of 4 stars). 3 submissions from 3 submitters: Uncertain significance (1); Likely benign (1). 1 of the submissions does not count toward it. Last evaluated 2023-03-29.

Conditions:
Neurodevelopmental disorder with severe motor impairment and absent language. Also called: NEURODEVELOPMENTAL DISORDER WITH VARIABLE MOTOR AND LANGUAGE IMPAIRMENT. Identifiers: Orphanet 647788, MedGen C4540496, MONDO:0060622, OMIM 617804.
DHX30-related disorder. Also called: DHX30-related condition.
Inborn genetic diseases. Identifiers: MedGen C0950123, MeSH D030342.

Allele frequency attached by ClinVar (database versions not stated): ExAC 0.00002; gnomAD 0.00003; TOPMed 0.00003.
gnomAD v4.1: 64 of 1,614,062 alleles (0.004%); highest among the groups gnomAD compares: Non-Finnish European, 0.0052%; no homozygotes.

Submissions (3):

Ambry Genetics
Classification: Likely benign for Inborn genetic diseases. Last evaluated: 2023-03-29. Review status: criteria provided, single submitter. Criteria: Ambry Variant Classification Scheme 2023. Collection method: clinical testing. Allele origin: germline.

Revvity Omics, Revvity
Classification: Uncertain significance for Neurodevelopmental disorder with severe motor impairment and absent language. Last evaluated: 2021-02-01. Review status: criteria provided, single submitter. Criteria: ACMG Guidelines, 2015. Collection method: clinical testing. Allele origin: germline.

PreventionGenetics, part of Exact Sciences
Classification: Likely benign for DHX30-related condition. Last evaluated: 2023-04-04. Review status: no assertion criteria provided. Collection method: clinical testing. Allele origin: germline. Not counted in ClinVar's aggregate classification.
Comment: This variant is classified as likely benign based on ACMG/AMP sequence variant interpretation guidelines (Richards et al. 2015 PMID: 25741868, with internal and published modifications).